The following is an entry in ClinVar:

NM_138927.4(SON):c.4280T>C (p.Leu1427Pro)

Gene: SON (SON DNA and RNA binding protein; plus strand). Cytogenetic location: 21q22.11.
Variant type: single nucleotide variant.
Coding change: c.4280T>C on transcript NM_138927.4 (MANE Select); coding-DNA position 4280, T replaced by C.
Protein change: p.Leu1427Pro; replaces leucine 1427 with proline.
Molecular consequence: missense variant. On other transcripts: non-coding transcript variant (1), intron variant (1).
Genome position (GRCh38, 1-based): chr21:33,553,511, T>C. VCF-style: chr21-33553511-T-C. GRCh37 (hg19) VCF-style: chr21-34925817-T-C.
Other names: c.4280T>C, p.Leu1427Pro (NM_001291411.2, NM_001412133.1, NM_032195.3 and 2 more transcripts); c.245-3645T>C (NM_001291412.3); short protein forms L1427P.
Identifiers: ClinVar variation 2800585 (VCV002800585.3), dbSNP rs1569056989, ClinGen allele CA410162291.

ClinVar aggregate classification (germline): Uncertain significance (1 of 4 stars; one submission).

Submission:

Labcorp Genetics (formerly Invitae), Labcorp
Classification: Uncertain significance. Last evaluated: 2023-04-24. Review status: criteria provided, single submitter. Criteria: Invitae Variant Classification Sherloc (09022015). Collection method: clinical testing. Allele origin: germline.
Comment: In summary, the available evidence is currently insufficient to determine the role of this variant in disease. Therefore, it has been classified as a Variant of Uncertain Significance. Algorithms developed to predict the effect of missense changes on protein structure and function output the following: SIFT: "Not Available"; PolyPhen-2: "Benign"; Align-GVGD: "Not Available". The proline amino acid residue is found in multiple mammalian species, which suggests that this missense change does not adversely affect protein function. This variant has not been reported in the literature in individuals affected with SON-related conditions. This variant is not present in population databases (gnomAD no frequency). This sequence change replaces leucine, which is neutral and non-polar, with proline, which is neutral and non-polar, at codon 1427 of the SON protein (p.Leu1427Pro).